The following is an entry in ClinVar:

ClinVar aggregate classification (germline): Uncertain significance (1 of 4 stars; one submission).

Submission:

GeneDx
Classification: Uncertain significance. Last evaluated: 2025-06-09. Review status: criteria provided, single submitter. Criteria: GeneDx Variant Classification Process June 2021. Collection method: clinical testing. Allele origin: germline. Affected: yes.
Comment: Not observed at significant frequency in large population cohorts (gnomAD); In silico analysis supports that this missense variant has a deleterious effect on protein structure/function; Has not been previously published as pathogenic or benign to our knowledge

NM_003403.5(YY1):c.664A>C (p.Thr222Pro)

Genes: YY1 (YY1 transcription factor; plus strand), LOC130056454 (ATAC-STARR-seq lymphoblastoid active region 9030; plus strand). Cytogenetic location: 14q32.2.
Variant type: single nucleotide variant.
Coding change: c.664A>C on transcript NM_003403.5 (MANE Select); coding-DNA position 664, A replaced by C.
Protein change: p.Thr222Pro; replaces threonine 222 with proline.
Molecular consequence: missense variant.
Genome position (GRCh38, 1-based): chr14:100,239,908, A>C. VCF-style: chr14-100239908-A-C. GRCh37 (hg19) VCF-style: chr14-100706245-A-C.
Other names: short protein forms T222P.
Identifiers: ClinVar variation 4538153 (VCV004538153.1).